The following is an entry in ClinVar:

ClinVar aggregate classification (germline): Uncertain significance (1 of 4 stars; one submission).

Conditions:
Inborn genetic diseases. Identifiers: MedGen C0950123, MeSH D030342.

Submission:

Ambry Genetics
Classification: Uncertain significance for Inborn genetic diseases. Last evaluated: 2025-10-14. Review status: criteria provided, single submitter. Criteria: Ambry Variant Classification Scheme 2023. Collection method: clinical testing. Allele origin: germline.
Comment: The p.S9T variant (also known as c.25T>A), located in coding exon 1 of the FANCA gene, results from a T to A substitution at nucleotide position 25. The serine at codon 9 is replaced by threonine, an amino acid with similar properties. This amino acid position is conserved. In addition, this alteration is predicted to be tolerated by in silico analysis. Based on the available evidence, the clinical significance of this variant remains unclear.

NM_000135.4(FANCA):c.25T>A (p.Ser9Thr)

Genes: FANCA (FA complementation group A; minus strand), LOC112486223 (Sharpr-MPRA regulatory region 3988; plus strand). Cytogenetic location: 16q24.3.
Variant type: single nucleotide variant.
Coding change: c.25T>A on transcript NM_000135.4 (MANE Select); coding-DNA position 25, T replaced by A.
Protein change: p.Ser9Thr; replaces serine 9 with threonine.
Molecular consequence: missense variant.
Genome position (GRCh38, 1-based): chr16:89,816,591, A>T on the plus strand (T>A on the coding strand, the complement: FANCA is on the minus strand). VCF-style: chr16-89816591-A-T. GRCh37 (hg19) VCF-style: chr16-89882999-A-T.
Other names: c.25T>A, p.Ser9Thr (NM_001018112.3, NM_001286167.3, NM_001351830.2); short protein forms S9T.
Identifiers: ClinVar variation 4619205 (VCV004619205.1).